The following is an entry in ClinVar:

ClinVar aggregate classification (germline): Pathogenic (1 of 4 stars; one submission).

Conditions:
Nemaline myopathy 2 (NEM2). Also called: Nemaline myopathy 2, autosomal recessive. Identifiers: MedGen C1850569, MONDO:0009725, OMIM 256030.

Submission:

Labcorp Genetics (formerly Invitae), Labcorp
Classification: Pathogenic for Nemaline myopathy 2. Last evaluated: 2022-08-02. Review status: criteria provided, single submitter. Criteria: Invitae Variant Classification Sherloc (09022015). Collection method: clinical testing. Allele origin: germline.
Comment: For these reasons, this variant has been classified as Pathogenic. This variant has not been reported in the literature in individuals affected with NEB-related conditions. This variant is not present in population databases (gnomAD no frequency). This sequence change creates a premature translational stop signal (p.Glu3803Glyfs*32) in the NEB gene. It is expected to result in an absent or disrupted protein product. Loss-of-function variants in NEB are known to be pathogenic (PMID: 25205138).

Literature cited by the submitters: PubMed 25205138.

NM_001164508.2(NEB):c.11408del (p.Glu3803fs)

Gene: NEB (nebulin; minus strand). Cytogenetic location: 2q23.3.
Variant type: Deletion.
Coding change: c.11408del on transcript NM_001164508.2 (MANE Select); coding-DNA position 11408, one base deleted (A; older notation c.11408delA).
Protein change: p.Glu3803fs; shifts the reading frame from glutamic acid 3803.
Molecular consequence: frameshift variant.
Genome position (GRCh38, 1-based): chr2:151,614,469, T deleted on the plus strand (A on the coding strand, the reverse complement: NEB is on the minus strand). VCF-style (leftmost placement, unchanged base first): chr2-151614468-CT-C. GRCh37 (hg19) VCF-style: chr2-152470982-CT-C.
Other names: c.11408del, p.Glu3803fs (NM_001164507.2, NM_001271208.2); c.10679del, p.Glu3560fs (NM_004543.5); short protein forms E3560fs, E3803fs.
Identifiers: ClinVar variation 2020505 (VCV002020505.4), dbSNP rs2552230097, ClinGen allele CA2580064188.